The following is an entry in ClinVar:

NM_053025.4(MYLK):c.1785C>T (p.Ser595=)

Gene: MYLK (myosin light chain kinase; minus strand). Cytogenetic location: 3q21.1.
Variant type: single nucleotide variant.
Coding change: c.1785C>T on transcript NM_053025.4 (MANE Select); coding-DNA position 1785, C replaced by T.
Protein change: p.Ser595=; no amino-acid change (serine 595 retained).
Molecular consequence: synonymous variant.
Genome position (GRCh38, 1-based): chr3:123,722,147, G>A on the plus strand (C>T on the coding strand, the complement: MYLK is on the minus strand). VCF-style: chr3-123722147-G-A. GRCh37 (hg19) VCF-style: chr3-123440994-G-A.
Other names: c.1257C>T, p.Ser419= (NM_001321309.2); c.1578C>T, p.Ser526= (NM_053026.4, NM_053028.4); c.1785C>T, p.Ser595= (NM_053027.4).
Identifiers: ClinVar variation 389583 (VCV000389583.54), dbSNP rs370094325, ClinGen allele CA067487.

ClinVar aggregate classification (germline): Likely benign. Review status: criteria provided, multiple submitters, no conflicts (2 of 4 stars). 4 submissions from 4 submitters: Likely benign (4). Last evaluated 2025-12-08.

Conditions:
Familial thoracic aortic aneurysm and aortic dissection (TAAD). Also called: Thoracic aortic aneurysms and dissections. Identifiers: Orphanet 91387, MedGen C4707243, MONDO:0019625.
Aortic aneurysm, familial thoracic 7 (AAT7). Also called: AORTIC DISSECTION, FAMILIAL, WITH OR WITHOUT AORTIC ANEURYSM. Identifiers: MedGen C3151077, MONDO:0013418, OMIM 613780.

Allele frequency attached by ClinVar (database versions not stated): gnomAD exomes 0.00006 and 0.00018; ESP Exome Variant Server 0.00008; ExAC 0.00012; TOPMed 0.00022; gnomAD 0.00027 and 0.00029.
gnomAD v4.1: 135 of 1,566,198 alleles (0.0086%); highest among the groups gnomAD compares: Admixed American, 0.077%; no homozygotes.

Submissions (4):

Labcorp Genetics (formerly Invitae), Labcorp
Classification: Likely benign for Aortic aneurysm, familial thoracic 7. Last evaluated: 2025-12-08. Review status: criteria provided, single submitter. Criteria: Invitae Variant Classification Sherloc (09022015). Collection method: clinical testing. Allele origin: germline.

CeGaT Center for Human Genetics Tuebingen
Classification: Likely benign. Last evaluated: 2025-07-01. Review status: criteria provided, single submitter. Criteria: CeGaT Center For Human Genetics Tuebingen Variant Classification Criteria Version 2. Collection method: clinical testing. Allele origin: germline. Affected: yes. Observed: 4 variant alleles.
Comment: MYLK: BP4, BP7

GeneDx
Classification: Likely benign. Last evaluated: 2020-10-05. Review status: criteria provided, single submitter. Criteria: GeneDx Variant Classification Process June 2021. Collection method: clinical testing. Allele origin: germline. Affected: yes.

Ambry Genetics
Classification: Likely benign for Familial thoracic aortic aneurysm and aortic dissection. Last evaluated: 2019-02-08. Review status: criteria provided, single submitter. Criteria: Ambry Variant Classification Scheme 2023. Collection method: clinical testing. Allele origin: germline.